The following is an entry in ClinVar:

ClinVar aggregate classification (germline): Uncertain significance (1 of 4 stars; one submission).

Allele frequency attached by ClinVar (database versions not stated): gnomAD exomes 0.00002 and 0.00006; TOPMed 0.00002; gnomAD 0.00003; ExAC 0.00004.
gnomAD v4.1: 82 of 1,608,500 alleles (0.0051%); highest among the groups gnomAD compares: Non-Finnish European, 0.0068%; no homozygotes.

Submission:

Labcorp Genetics (formerly Invitae), Labcorp
Classification: Uncertain significance. Last evaluated: 2022-09-06. Review status: criteria provided, single submitter. Criteria: Invitae Variant Classification Sherloc (09022015). Collection method: clinical testing. Allele origin: germline.
Comment: This sequence change replaces cysteine, which is neutral and slightly polar, with glycine, which is neutral and non-polar, at codon 65 of the SAMD11 protein (p.Cys65Gly). This variant is present in population databases (rs772007449, gnomAD 0.004%). This variant has not been reported in the literature in individuals affected with SAMD11-related conditions. ClinVar contains an entry for this variant (Variation ID: 969662). Algorithms developed to predict the effect of missense changes on protein structure and function (SIFT, PolyPhen-2, Align-GVGD) all suggest that this variant is likely to be tolerated. In summary, the available evidence is currently insufficient to determine the role of this variant in disease. Therefore, it has been classified as a Variant of Uncertain Significance.

NM_001385641.1(SAMD11):c.730T>G (p.Cys244Gly)

Gene: SAMD11 (sterile alpha motif domain containing 11; plus strand). Cytogenetic location: 1p36.33.
Variant type: single nucleotide variant.
Coding change: c.730T>G on transcript NM_001385641.1 (MANE Select); coding-DNA position 730, T replaced by G.
Protein change: p.Cys244Gly; replaces cysteine 244 with glycine.
Molecular consequence: missense variant.
Genome position (GRCh38, 1-based): chr1:930,275, T>G. VCF-style: chr1-930275-T-G. GRCh37 (hg19) VCF-style: chr1-865655-T-G.
Other names: c.730T>G, p.Cys244Gly (NM_001385640.1); c.193T>G, p.Cys65Gly (NM_152486.4); short protein forms C65G, C244G.
Identifiers: ClinVar variation 969662 (VCV000969662.6), dbSNP rs772007449, ClinGen allele CA502446.